The following is an entry in ClinVar:

ClinVar aggregate classification (germline): Uncertain significance. Review status: criteria provided, single submitter (1 of 4 stars). 2 submissions from 2 submitters: Uncertain significance (1). 1 of the submissions does not count toward it. Last evaluated 2022-08-22.

Conditions:
Usher syndrome type 1 (USH1). Also called: RETINITIS PIGMENTOSA AND CONGENITAL DEAFNESS. Identifiers: Orphanet 231169, Orphanet 886, MedGen C1568247, MONDO:0010168, OMIM 276900.

Allele frequency attached by ClinVar (database versions not stated): TOPMed below 0.00001; gnomAD 0.00001 and 0.00002; gnomAD exomes 0.00001.
gnomAD v4.1: 23 of 1,610,210 alleles (0.0014%); highest among the groups gnomAD compares: African/African-American, 0.0027%; no homozygotes.

Submissions (2):

Labcorp Genetics (formerly Invitae), Labcorp
Classification: Uncertain significance. Last evaluated: 2022-08-22. Review status: criteria provided, single submitter. Criteria: Invitae Variant Classification Sherloc (09022015). Collection method: clinical testing. Allele origin: germline.
Comment: This sequence change replaces arginine, which is basic and polar, with tryptophan, which is neutral and slightly polar, at codon 546 of the CDH23 protein (p.Arg546Trp). This variant is not present in population databases (gnomAD no frequency). This variant has not been reported in the literature in individuals affected with CDH23-related conditions. ClinVar contains an entry for this variant (Variation ID: 1035556). Algorithms developed to predict the effect of missense changes on protein structure and function are either unavailable or do not agree on the potential impact of this missense change (SIFT: "Deleterious"; PolyPhen-2: "Not Available"; Align-GVGD: "Class C15"). In summary, the available evidence is currently insufficient to determine the role of this variant in disease. Therefore, it has been classified as a Variant of Uncertain Significance.

Natera, Inc.
Classification: Uncertain significance for Usher syndrome type 1. Last evaluated: 2020-06-21. Review status: no assertion criteria provided. Collection method: clinical testing. Allele origin: germline. Not counted in ClinVar's aggregate classification.

NM_022124.6(CDH23):c.1636C>T (p.Arg546Trp)

Gene: CDH23 (cadherin related 23; plus strand). Cytogenetic location: 10q22.1.
Variant type: single nucleotide variant.
Coding change: c.1636C>T on transcript NM_022124.6 (MANE Select); coding-DNA position 1636, C replaced by T.
Protein change: p.Arg546Trp; replaces arginine 546 with tryptophan.
Molecular consequence: missense variant.
Genome position (GRCh38, 1-based): chr10:71,677,577, C>T. VCF-style: chr10-71677577-C-T. GRCh37 (hg19) VCF-style: chr10-73437334-C-T.
Other names: c.1636C>T, p.Arg546Trp (NM_001171930.2, NM_001171931.2); short protein forms R546W.
Identifiers: ClinVar variation 1035556 (VCV001035556.7), dbSNP rs1319955478, ClinGen allele CA377130467.